The following is an entry in ClinVar:

ClinVar aggregate classification (germline): Benign/Likely benign. Review status: criteria provided, multiple submitters, no conflicts (2 of 4 stars). 2 submissions from 2 submitters: Benign (1); Likely benign (1). Last evaluated 2026-05-03.

Conditions:
Familial cancer of breast. Also called: BREAST CANCER, FAMILIAL; Hereditary breast cancer; hereditary breast carcinoma. Identifiers: Orphanet 227535, MedGen C0346153, MONDO:0016419, OMIM 114480. Disease mechanism: loss of function.
Hereditary cancer-predisposing syndrome. Also called: Neoplastic Syndromes, Hereditary; Tumor predisposition; Hereditary Cancer Syndrome; Hereditary neoplastic syndrome. Identifiers: Orphanet 140162, MedGen C0027672, MeSH D009386, MONDO:0015356.

Submissions (2):

Ambry Genetics
Classification: Likely benign for Hereditary cancer-predisposing syndrome. Last evaluated: 2026-05-03. Review status: criteria provided, single submitter. Criteria: Ambry Variant Classification Scheme 2023. Collection method: clinical testing. Allele origin: germline.

Myriad Genetics, Inc.
Classification: Benign for Familial cancer of breast. Last evaluated: 2025-01-21. Review status: criteria provided, single submitter. Criteria: Myriad Autosomal Dominant, Autosomal Recessive and X-Linked Classification Criteria (2023). Collection method: clinical testing. Allele origin: unknown.
Comment: This variant is considered benign. This variant is a silent/synonymous amino acid change and it is not expected to impact splicing.

NM_024675.4(PALB2):c.3237C>G (p.Ala1079=)

Gene: PALB2 (partner and localizer of BRCA2; minus strand). Cytogenetic location: 16p12.2.
Variant type: single nucleotide variant.
Coding change: c.3237C>G on transcript NM_024675.4 (MANE Select); coding-DNA position 3237, C replaced by G.
Protein change: p.Ala1079=; no amino-acid change (alanine 1079 retained).
Molecular consequence: synonymous variant. On other transcripts: intron variant (8).
Genome position (GRCh38, 1-based): chr16:23,607,977, G>C on the plus strand (C>G on the coding strand, the complement: PALB2 is on the minus strand). VCF-style: chr16-23607977-G-C. GRCh37 (hg19) VCF-style: chr16-23619298-G-C.
Other names: c.3177C>G, p.Ala1059= (NM_001407296.1); c.3165C>G, p.Ala1055= (NM_001407297.1); c.3075C>G, p.Ala1025= (NM_001407298.1); c.2958C>G, p.Ala986= (NM_001407300.1); c.2352C>G, p.Ala784= (NM_001407304.1, NM_001407305.1, NM_001407306.1); c.2190C>G, p.Ala730= (NM_001407307.1); c.1449C>G, p.Ala483= (NM_001407312.1); c.771C>G, p.Ala257= (NM_001407314.1); and 6 more.
Identifiers: ClinVar variation 3904155 (VCV003904155.2).